The following is an entry in ClinVar:

ClinVar aggregate classification (germline): Uncertain significance. Review status: criteria provided, multiple submitters, no conflicts (2 of 4 stars). 4 submissions from 4 submitters: Uncertain significance (4). Last evaluated 2026-03-17.

Conditions:
Inborn genetic diseases. Identifiers: MedGen C0950123, MeSH D030342.
Developmental and epileptic encephalopathy, 1 (DEE1). Also called: X-linked infantile spasms; West's syndrome; Tonic spasms with clustering, arrest of psychomotor development and hypsarrhythmia on EEG; X-Linked Infantile Spasm Syndrome; OHTAHARA SYNDROME, X-LINKED; INFANTILE SPASM SYNDROME, X-LINKED 1. Identifiers: MedGen C3463992, MONDO:0010632, OMIM 308350. Disease mechanism: loss of function.
Intellectual disability, X-linked, with or without seizures, ARX-related. Also called: INTELLECTUAL DEVELOPMENTAL DISORDER, X-LINKED 29; Mental retardation, X-linked 52; MENTAL RETARDATION, X-LINKED 29; MENTAL RETARDATION, X-LINKED 32; MENTAL RETARDATION, X-LINKED 33; MENTAL RETARDATION, X-LINKED 38. Identifiers: Orphanet 777, MedGen C0796244, MONDO:0010317, OMIM 300419.

Allele frequency attached by ClinVar (database versions not stated): gnomAD 0.00002; gnomAD exomes below 0.00001; TOPMed below 0.00001.
gnomAD v4.1: 7 of 1,208,250 alleles (0.00058%); highest among the groups gnomAD compares: Non-Finnish European, 0.00078%; no homozygotes.

Submissions (4):

Ambry Genetics
Classification: Uncertain significance for Inborn genetic diseases. Last evaluated: 2026-03-17. Review status: criteria provided, single submitter. Criteria: Ambry Variant Classification Scheme 2023. Collection method: clinical testing. Allele origin: germline.

Labcorp Genetics (formerly Invitae), Labcorp
Classification: Uncertain significance for Developmental and epileptic encephalopathy, 1; Intellectual disability, X-linked, with or without seizures, ARX-related. Last evaluated: 2023-12-27. Review status: criteria provided, single submitter. Criteria: Invitae Variant Classification Sherloc (09022015). Collection method: clinical testing. Allele origin: germline.
Comment: This sequence change replaces serine, which is neutral and polar, with arginine, which is basic and polar, at codon 31 of the ARX protein (p.Ser31Arg). This variant is not present in population databases (gnomAD no frequency). This variant has not been reported in the literature in individuals affected with ARX-related conditions. ClinVar contains an entry for this variant (Variation ID: 235754). Advanced modeling of protein sequence and biophysical properties (such as structural, functional, and spatial information, amino acid conservation, physicochemical variation, residue mobility, and thermodynamic stability) has been performed at Invitae for this missense variant, however the output from this modeling did not meet the statistical confidence thresholds required to predict the impact of this variant on ARX protein function. In summary, the available evidence is currently insufficient to determine the role of this variant in disease. Therefore, it has been classified as a Variant of Uncertain Significance.

GeneDx
Classification: Uncertain significance. Last evaluated: 2017-03-01. Review status: criteria provided, single submitter. Criteria: GeneDx Variant Classification (06012015). Collection method: clinical testing. Allele origin: germline. Affected: yes.
Comment: A variant of uncertain significance has been identified in the ARX gene. The S31R variant has not been published as a pathogenic variant, nor has it been reported as a benign variant to our knowledge. The S31R variant is observed in 2/46,995 alleles from individuals undergoing testing at GeneDx including a hemizygous individual (Lek et al., 2016; 1000 Genomes Consortium et al., 2015; Exome Variant Server). The S31R variant is a semi-conservative amino acid substitution, which may impact secondary protein structure as these residues differ in some properties. This substitution occurs at a position that is conserved across species, and in silico analysis predicts this variant is probably damaging to the protein structure/function. Therefore, based on the currently available information, it is unclear whether this variant is a pathogenic variant or a rare benign variant.

Center for Pediatric Genomic Medicine, Children's Mercy Hospital and Clinics
Classification: Uncertain significance. Last evaluated: 2016-05-10. Review status: criteria provided, single submitter. Criteria: ACMG Guidelines, 2015. Collection method: clinical testing. Allele origin: germline.
ClinVar note: Converted during submission from Uncertain Significance to Uncertain significance.

NM_139058.3(ARX):c.91A>C (p.Ser31Arg)

Gene: ARX (aristaless related homeobox; minus strand). Cytogenetic location: Xp21.3.
Variant type: single nucleotide variant.
Coding change: c.91A>C on transcript NM_139058.3 (MANE Select); coding-DNA position 91, A replaced by C.
Protein change: p.Ser31Arg; replaces serine 31 with arginine.
Molecular consequence: missense variant.
Genome position (GRCh38, 1-based): chrX:25,015,647, T>G on the plus strand (A>C on the coding strand, the complement: ARX is on the minus strand). VCF-style: chrX-25015647-T-G. GRCh37 (hg19) VCF-style: chrX-25033764-T-G.
Other names: short protein forms S31R.
Identifiers: ClinVar variation 235754 (VCV000235754.15), dbSNP rs878853107, ClinGen allele CA10581420.